The following is an entry in ClinVar:

ClinVar aggregate classification (germline): Uncertain significance (1 of 4 stars; one submission).

Submission:

Labcorp Genetics (formerly Invitae), Labcorp
Classification: Uncertain significance. Last evaluated: 2022-05-15. Review status: criteria provided, single submitter. Criteria: Invitae Variant Classification Sherloc (09022015). Collection method: clinical testing. Allele origin: germline.
Comment: In summary, the available evidence is currently insufficient to determine the role of this variant in disease. Therefore, it has been classified as a Variant of Uncertain Significance. Algorithms developed to predict the effect of missense changes on protein structure and function are either unavailable or do not agree on the potential impact of this missense change (SIFT: "Deleterious"; PolyPhen-2: "Probably Damaging"; Align-GVGD: "Class C15"). This variant has not been reported in the literature in individuals affected with RIMS1-related conditions. This variant is not present in population databases (gnomAD no frequency). This sequence change replaces phenylalanine, which is neutral and non-polar, with leucine, which is neutral and non-polar, at codon 179 of the RIMS1 protein (p.Phe179Leu).

NM_014989.7(RIMS1):c.537C>G (p.Phe179Leu)

Gene: RIMS1 (regulating synaptic membrane exocytosis 1; plus strand). Cytogenetic location: 6q13.
Variant type: single nucleotide variant.
Coding change: c.537C>G on transcript NM_014989.7 (MANE Select); coding-DNA position 537, C replaced by G.
Protein change: p.Phe179Leu; replaces phenylalanine 179 with leucine.
Molecular consequence: missense variant.
Genome position (GRCh38, 1-based): chr6:72,179,640, C>G. VCF-style: chr6-72179640-C-G. GRCh37 (hg19) VCF-style: chr6-72889343-C-G.
Other names: short protein forms F179L.
Identifiers: ClinVar variation 1994653 (VCV001994653.4), dbSNP rs2551800238, ClinGen allele CA364818363.